The following is an entry in ClinVar:

ClinVar aggregate classification (germline): Uncertain significance (1 of 4 stars; one submission).

Submission:

GeneDx
Classification: Uncertain significance. Last evaluated: 2019-04-22. Review status: criteria provided, single submitter. Criteria: GeneDx Variant Classification Process June 2021. Collection method: clinical testing. Allele origin: germline. Affected: yes.
Comment: Not observed in large population cohorts (Lek et al., 2016); In silico analysis, which includes protein predictors and evolutionary conservation, supports that this variant does not alter protein structure/function; Has not been previously published as pathogenic or benign to our knowledge

NM_001379403.1(WDR26):c.857T>C (p.Val286Ala)

Gene: WDR26 (WD repeat domain 26; minus strand). Cytogenetic location: 1q42.12.
Variant type: single nucleotide variant.
Coding change: c.857T>C on transcript NM_001379403.1 (MANE Select); coding-DNA position 857, T replaced by C.
Protein change: p.Val286Ala; replaces valine 286 with alanine.
Molecular consequence: missense variant.
Genome position (GRCh38, 1-based): chr1:224,431,547, A>G on the plus strand (T>C on the coding strand, the complement: WDR26 is on the minus strand). VCF-style: chr1-224431547-A-G. GRCh37 (hg19) VCF-style: chr1-224619249-A-G.
Other names: c.557T>C, p.Val186Ala (NM_001115113.3, NM_025160.7); short protein forms V186A, V286A.
Identifiers: ClinVar variation 1304843 (VCV001304843.2), dbSNP rs2102926330, ClinGen allele CA344751417.